The following is an entry in ClinVar:

NM_207346.3(TSEN54):c.1066C>T (p.His356Tyr)

Gene: TSEN54 (tRNA splicing endonuclease subunit 54; plus strand). Cytogenetic location: 17q25.1.
Variant type: single nucleotide variant.
Coding change: c.1066C>T on transcript NM_207346.3 (MANE Select); coding-DNA position 1066, C replaced by T.
Protein change: p.His356Tyr; replaces histidine 356 with tyrosine.
Molecular consequence: missense variant.
Genome position (GRCh38, 1-based): chr17:75,522,147, C>T. VCF-style: chr17-75522147-C-T. GRCh37 (hg19) VCF-style: chr17-73518228-C-T.
Other names: short protein forms H356Y.
Identifiers: ClinVar variation 3365825 (VCV003365825.1).

ClinVar aggregate classification (germline): Uncertain significance (1 of 4 stars; one submission).

gnomAD v4.1: 24 of 1,560,048 alleles (0.0015%); highest among the groups gnomAD compares: South Asian, 0.028%; no homozygotes.

Submission:

GeneDx
Classification: Uncertain significance. Last evaluated: 2024-04-13. Review status: criteria provided, single submitter. Criteria: GeneDx Variant Classification Process June 2021. Collection method: clinical testing. Allele origin: germline. Affected: yes.
Comment: In silico analysis indicates that this missense variant does not alter protein structure/function; Has not been previously published as pathogenic or benign to our knowledge